The following is an entry in ClinVar:

ClinVar aggregate classification (germline): Pathogenic (1 of 4 stars; one submission).

Conditions:
Spermatogenic Failure. Identifiers: MedGen C3553794, MONDO:0004983.

Submission:

Conrad Lab, Oregon Health and Science University
Classification: Pathogenic for Spermatogenic Failure. Last evaluated: 2026-09-29. Review status: criteria provided, single submitter. Criteria: ACMG Guidelines, 2015. Collection method: research. Allele origin: germline. Affected: yes. Observed: 1 variant allele. Study: GEMINI.
Comment: The manuscript cites strong loss-of-function constraint for TDRD5 (pLI=1) and rarity of TDRD5 exon deletions in gnomAD as supporting a dosage-related hypothesis. AXDND1-associated infertility is recessive, and a single deleted copy alone does not establish that mechanism. The submitted Pathogenic classification is the author-reviewed interpretation; constraint and rarity alone do not establish TDRD5 haploinsufficiency or pathogenicity of this specific event. Coordinates are minimum bounds.

Single allele

Genes: NPHS2 (NPHS2 stomatin family member, podocin; minus strand), AXDND1 (axonemal dynein light chain domain containing 1; plus strand), TDRD5 (tudor domain containing 5; plus strand), LOC129931999 (ATAC-STARR-seq lymphoblastoid silent region 1590; plus strand), LOC129932000 (ATAC-STARR-seq lymphoblastoid active region 2152; plus strand). Cytogenetic location: 1q25.2.
Variant type: Deletion.
Identifiers: ClinVar variation 5021151 (VCV005021151.1).